The following is an entry in ClinVar:

ClinVar aggregate classification (germline): Uncertain significance (1 of 4 stars; one submission).

Conditions:
Autoimmune interstitial lung disease-arthritis syndrome. Also called: Autoinflammation and autoimmunity, systemic, with immune dysregulation. Identifiers: Orphanet 444092, MedGen C5975714, MONDO:0014629.

Allele frequency attached by ClinVar (database versions not stated): gnomAD exomes below 0.00001; TOPMed below 0.00001.
gnomAD v4.1: 1 of 1,608,602 alleles (0.000062%); highest among the groups gnomAD compares: African/African-American, 0.0013%; no homozygotes.

Submission:

Labcorp Genetics (formerly Invitae), Labcorp
Classification: Uncertain significance for Autoimmune interstitial lung disease-arthritis syndrome. Last evaluated: 2025-01-20. Review status: criteria provided, single submitter. Criteria: Invitae Variant Classification Sherloc (09022015). Collection method: clinical testing. Allele origin: germline.
Comment: This sequence change replaces histidine, which is basic and polar, with glutamine, which is neutral and polar, at codon 134 of the COPA protein (p.His134Gln). This variant is not present in population databases (gnomAD no frequency). This variant has not been reported in the literature in individuals affected with COPA-related conditions. ClinVar contains an entry for this variant (Variation ID: 953410). Invitae Evidence Modeling of protein sequence and biophysical properties (such as structural, functional, and spatial information, amino acid conservation, physicochemical variation, residue mobility, and thermodynamic stability) indicates that this missense variant is expected to disrupt COPA protein function with a positive predictive value of 80%. In summary, the available evidence is currently insufficient to determine the role of this variant in disease. Therefore, it has been classified as a Variant of Uncertain Significance.

NM_004371.4(COPA):c.402C>A (p.His134Gln)

Gene: COPA (coat protein complex I subunit alpha; minus strand). Cytogenetic location: 1q23.2.
Variant type: single nucleotide variant.
Coding change: c.402C>A on transcript NM_004371.4 (MANE Select); coding-DNA position 402, C replaced by A.
Protein change: p.His134Gln; replaces histidine 134 with glutamine.
Molecular consequence: missense variant.
Genome position (GRCh38, 1-based): chr1:160,332,542, G>T on the plus strand (C>A on the coding strand, the complement: COPA is on the minus strand). VCF-style: chr1-160332542-G-T. GRCh37 (hg19) VCF-style: chr1-160302332-G-T.
Other names: c.402C>A, p.His134Gln (NM_001098398.2); short protein forms H134Q.
Identifiers: ClinVar variation 953410 (VCV000953410.9), dbSNP rs1647575840, ClinGen allele CA343269777.